The following is an entry in ClinVar:

NM_024312.5(GNPTAB):c.771G>A (p.Leu257=)

Gene: GNPTAB (N-acetylglucosamine-1-phosphate transferase subunits alpha and beta; minus strand). Cytogenetic location: 12q23.2.
Variant type: single nucleotide variant.
Coding change: c.771G>A on transcript NM_024312.5 (MANE Select); coding-DNA position 771, G replaced by A.
Protein change: p.Leu257=; no amino-acid change (leucine 257 retained).
Molecular consequence: synonymous variant.
Genome position (GRCh38, 1-based): chr12:101,780,152, C>T on the plus strand (G>A on the coding strand, the complement: GNPTAB is on the minus strand). VCF-style: chr12-101780152-C-T. GRCh37 (hg19) VCF-style: chr12-102173930-C-T.
Other names: G-A, EX7; AY687932:c.771G>A.
Identifiers: ClinVar variation 2761 (VCV000002761.15), dbSNP rs281865025, ClinGen allele CA115740.
Genomic context (GRCh38, chr12:101,780,152, plus strand): 5'-AAGAATCACACATTAAATGAGAATGTGCCAGGCTAATTGCTCTATTTTCTATGTTCTTAC[C>T]AGTTTGACTTTAGAGGAAAGATTTTCTGGCAATTTTGTTTTTAGTTGATTTGTTTCCTTG-3'
Protein context (NP_077288.2, residues 247-267): LPENLSSKVK[Leu257=]LQLYSEASVA

ClinVar aggregate classification (germline): Likely pathogenic. Review status: criteria provided, multiple submitters, no conflicts (2 of 4 stars). 6 submissions from 6 submitters: Likely pathogenic (4). 2 of the submissions do not count toward it. Last evaluated 2025-07-15.

Conditions:
GNPTAB-Related Disorders. Also called: GNPTAB-related condition; GNPTAB-related disorder. Identifiers: MedGen CN381523.
Mucolipidosis. Also called: Mucolipidoses. Identifiers: Orphanet 79212, MedGen C0026697, MONDO:0019248.
Mucolipidosis type II. Also called: ML II ALPHA/BETA; Mucolipidosis 2; ML 2; Inclusion cell disease; Leroy Disease; N-acetylglucosamine 1phosphotransferase deficiency. Identifiers: Orphanet 576, MedGen C2673377, MONDO:0009650, OMIM 252500.
Pseudo-Hurler polydystrophy. Also called: ML III; ML III ALPHA/BETA; MUCOLIPIDOSIS IIIA; ML IIIA; Type III Mucolipidosis; Mucolipidosis III Alpha/Beta. Identifiers: Orphanet 423461, Orphanet 577, MedGen C0033788, MONDO:0018931, OMIM 252600.
MUCOLIPIDOSIS III ALPHA/BETA, ATYPICAL. Identifiers: MedGen C2673375, OMIM 252600.

Allele frequency attached by ClinVar (database versions not stated): gnomAD exomes 0.00001; TOPMed 0.00001; gnomAD 0.00002.

Submissions (6):

Natera, Inc.
Classification: Likely pathogenic for Mucolipidosis type II. Last evaluated: 2025-07-15. Review status: criteria provided, single submitter. Criteria: Natera Variant Classification Schema (03/2026). Collection method: clinical testing. Allele origin: germline.
Comment: The c.771G>A variant in GNPTAB is a synonymous variant that does not alter the encoded amino acid at position 257 (p.L257=). This variant is rare in the general population with a frequency below the threshold expected for the associated phenotype(s). This variant has been observed in one or more individuals affected with the associated recessive disease, as either homozygous or compound heterozygous with a second variant (PMID: 15633164). Functional studies show that this variant may disrupt protein function (PMID: 15633164). Computational prediction algorithms indicate this variant is likely to affect gene or protein function. Given the available evidence, this variant is classified as Likely Pathogenic.

Labcorp Genetics (formerly Invitae), Labcorp
Classification: Likely pathogenic for Pseudo-Hurler polydystrophy; Mucolipidosis type II. Last evaluated: 2023-12-02. Review status: criteria provided, single submitter. Criteria: Invitae Variant Classification Sherloc (09022015). Collection method: clinical testing. Allele origin: germline.
Comment: This sequence change affects codon 257 of the GNPTAB mRNA. It is a 'silent' change, meaning that it does not change the encoded amino acid sequence of the GNPTAB protein. RNA analysis indicates that this variant induces altered splicing and likely results in a shortened protein product. This variant is not present in population databases (gnomAD no frequency). This variant has been observed in individual(s) with mucolipidosis type III (PMID: 15633164). ClinVar contains an entry for this variant (Variation ID: 2761). Variants that disrupt the consensus splice site are a relatively common cause of aberrant splicing (PMID: 17576681, 9536098). Studies have shown that this variant results in skipping of exon 7, but is expected to preserve the integrity of the reading-frame (PMID: 15633164). In summary, the currently available evidence indicates that the variant is pathogenic, but additional data are needed to prove that conclusively. Therefore, this variant has been classified as Likely Pathogenic.

Women's Health and Genetics/Laboratory Corporation of America, LabCorp
Classification: Likely pathogenic for Mucolipidosis. Last evaluated: 2021-09-13. Review status: criteria provided, single submitter. Criteria: LabCorp Variant Classification Summary - May 2015. Collection method: clinical testing. Allele origin: germline.
Comment: Variant summary: GNPTAB c.771G>A (p.Leu257Leu) alters a conserved nucleotide located close to a canonical splice site and therefore could affect mRNA splicing, leading to a significantly altered protein sequence. Several computational tools predict a significant impact on normal splicing: Three predict the variant weakens a 5' donor site and one predicts the variant abolishes a 5' splicing donor site. Experimental evidence supports these predictions indicating that this variant affects mRNA splicing leading to the skipping of exon 7 (Steet_2005). The variant was absent in 251190 control chromosomes (gnomAD). c.771G>A has been reported in the literature in a homozygous individual affected with Mucolipidosis (Steet_2005). These data indicate that the variant may be associated with disease. Experimental evidence evaluating an impact on protein function demonstrated the variant results in the production of a minimal amount of functional enzyme (Steet_2005). A ClinVar submitter (evaluation after 2014) cites the variant as likely pathogenic. Based on the evidence outlined above, the variant was classified as likely pathogenic.

Blueprint Genetics
Classification: Likely pathogenic for GNPTAB-related disorders. Last evaluated: 2020-11-27. Review status: criteria provided, single submitter. Criteria: ACMG Guidelines, 2015. Collection method: clinical testing. Allele origin: germline. Affected: yes. Observed: 3 variant alleles.

GeneReviews
Classification: Pathogenic for Mucolipidosis III Alpha/Beta. Last evaluated: 2012-05-10. Review status: no assertion criteria provided. Collection method: curation. Allele origin: unknown. Not counted in ClinVar's aggregate classification.
ClinVar note: Converted during submission from pathologic to Pathogenic.

OMIM
Classification: Pathogenic for MUCOLIPIDOSIS III ALPHA/BETA, ATYPICAL. Last evaluated: 2005-02-01. Review status: no assertion criteria provided. Collection method: literature only. Allele origin: germline. Not counted in ClinVar's aggregate classification.

Literature cited by the submitters: PubMed 15633164 (cited by 4 submitters); PubMed 17576681 (cited by Labcorp Genetics (formerly Invitae), Labcorp); PubMed 9536098 (cited by Labcorp Genetics (formerly Invitae), Labcorp).